The following is an entry in ClinVar:

NM_030773.4(TUBB1):c.111C>T (p.Arg37=)

Gene: TUBB1 (tubulin beta 1 class VI; plus strand). Cytogenetic location: 20q13.32.
Variant type: single nucleotide variant.
Coding change: c.111C>T on transcript NM_030773.4 (MANE Select); coding-DNA position 111, C replaced by T.
Protein change: p.Arg37=; no amino-acid change (arginine 37 retained).
Molecular consequence: synonymous variant.
Genome position (GRCh38, 1-based): chr20:59,022,898, C>T. VCF-style: chr20-59022898-C-T. GRCh37 (hg19) VCF-style: chr20-57597953-C-T.
Identifiers: ClinVar variation 2062619 (VCV002062619.8), dbSNP rs150453159, ClinGen allele CA9928371.

ClinVar aggregate classification (germline): Benign/Likely benign. Review status: criteria provided, multiple submitters, no conflicts (2 of 4 stars). 4 submissions from 4 submitters: Benign (1); Likely benign (2). 1 of the submissions does not count toward it. Last evaluated 2026-09-01.

Conditions:
TUBB1-related disorder. Also called: TUBB1-related condition.

Allele frequency attached by ClinVar (database versions not stated): 1000 Genomes Project 30x 0.00031; 1000 Genomes Project 0.00040; gnomAD 0.00075; TOPMed 0.00077; ESP Exome Variant Server 0.00108.
gnomAD v4.1: 1,718 of 1,614,048 alleles (0.11%); highest among the groups gnomAD compares: South Asian, 0.14%; no homozygotes.

Submissions (4):

CeGaT Center for Human Genetics Tuebingen
Classification: Likely benign. Last evaluated: 2026-09-01. Review status: criteria provided, single submitter. Criteria: CeGaT Center For Human Genetics Tuebingen Variant Classification Criteria Version 2. Collection method: clinical testing. Allele origin: germline. Affected: yes. Observed: 1 variant allele.
Comment: TUBB1: BP4, BP7

Labcorp Genetics (formerly Invitae), Labcorp
Classification: Benign. Last evaluated: 2026-02-01. Review status: criteria provided, single submitter. Criteria: Invitae Variant Classification Sherloc (09022015). Collection method: clinical testing. Allele origin: germline.

Blueprint Genetics
Classification: Likely benign. Last evaluated: 2024-11-25. Review status: criteria provided, single submitter. Criteria: ACMG Guidelines, 2015. Collection method: clinical testing. Allele origin: germline.

PreventionGenetics, part of Exact Sciences
Classification: Likely benign for TUBB1-related condition. Last evaluated: 2019-05-03. Review status: no assertion criteria provided. Collection method: clinical testing. Allele origin: germline. Not counted in ClinVar's aggregate classification.
Comment: This variant is classified as likely benign based on ACMG/AMP sequence variant interpretation guidelines (Richards et al. 2015 PMID: 25741868, with internal and published modifications).